The following is an entry in ClinVar:

NM_001382.4(DPAGT1):c.283-3C>A

Gene: DPAGT1 (dolichyl-phosphate N-acetylglucosaminephosphotransferase 1; minus strand). Cytogenetic location: 11q23.3.
Variant type: single nucleotide variant.
Coding change: c.283-3C>A on transcript NM_001382.4 (MANE Select); 3 bases into the intron before coding-DNA position 283, C replaced by A.
Molecular consequence: intron variant.
Genome position (GRCh38, 1-based): chr11:119,100,846, G>T on the plus strand (C>A on the coding strand, the complement: DPAGT1 is on the minus strand). VCF-style: chr11-119100846-G-T. GRCh37 (hg19) VCF-style: chr11-118971556-G-T.
Identifiers: ClinVar variation 2009684 (VCV002009684.4), dbSNP rs2497522233, ClinGen allele CA2580083703.

ClinVar aggregate classification (germline): Uncertain significance (1 of 4 stars; one submission).

Conditions:
Congenital myasthenic syndrome 13 (CMS13). Also called: Myasthenic syndrome, congenital, with tubular aggregates 2; Myasthenic syndrome, congenital, 13, with tubular aggregates. Identifiers: Orphanet 353327, Orphanet 590, MedGen C3553645, MONDO:0013883, OMIM 614750.
DPAGT1-congenital disorder of glycosylation. Also called: DPAGT1-CDG; CONGENITAL DISORDER OF GLYCOSYLATION, TYPE Ij; CDG Ij. Identifiers: Orphanet 86309, MedGen C2931004, MONDO:0011964, OMIM 608093.

Submission:

Labcorp Genetics (formerly Invitae), Labcorp
Classification: Uncertain significance for Congenital myasthenic syndrome 13; DPAGT1-congenital disorder of glycosylation. Last evaluated: 2022-07-23. Review status: criteria provided, single submitter. Criteria: Invitae Variant Classification Sherloc (09022015). Collection method: clinical testing. Allele origin: germline.
Comment: In summary, the available evidence is currently insufficient to determine the role of this variant in disease. Therefore, it has been classified as a Variant of Uncertain Significance. Variants that disrupt the consensus splice site are a relatively common cause of aberrant splicing (PMID: 17576681, 9536098). Algorithms developed to predict the effect of sequence changes on RNA splicing suggest that this variant may disrupt the consensus splice site. This variant has not been reported in the literature in individuals affected with DPAGT1-related conditions. This variant is not present in population databases (gnomAD no frequency). This sequence change falls in intron 2 of the DPAGT1 gene. It does not directly change the encoded amino acid sequence of the DPAGT1 protein. It affects a nucleotide within the consensus splice site.

Literature cited by the submitters: PubMed 17576681; PubMed 9536098.